The following is an entry in ClinVar:

NM_004525.3(LRP2):c.7863T>G (p.Tyr2621Ter)

Gene: LRP2 (LDL receptor related protein 2; minus strand). Cytogenetic location: 2q31.1.
Variant type: single nucleotide variant.
Coding change: c.7863T>G on transcript NM_004525.3 (MANE Select); coding-DNA position 7863, T replaced by G.
Protein change: p.Tyr2621Ter; replaces tyrosine 2621 with a stop codon.
Molecular consequence: nonsense.
Genome position (GRCh38, 1-based): chr2:169,204,124, A>C on the plus strand (T>G on the coding strand, the complement: LRP2 is on the minus strand). VCF-style: chr2-169204124-A-C. GRCh37 (hg19) VCF-style: chr2-170060634-A-C.
Other names: short protein forms Y2621*.
Identifiers: ClinVar variation 5013059 (VCV005013059.1).

ClinVar aggregate classification (germline): Pathogenic (1 of 4 stars; one submission).

Conditions:
Donnai-Barrow syndrome. Also called: DBS/FOAR SYNDROME; FACIOOCULOACOUSTICORENAL SYNDROME. Identifiers: Orphanet 2143, MedGen C1857277, MONDO:0009104, OMIM 222448.

Submission:

Myriad Genetics, Inc.
Classification: Pathogenic for Donnai-Barrow syndrome. Last evaluated: 2024-05-15. Review status: criteria provided, single submitter. Criteria: Myriad Autosomal Dominant, Autosomal Recessive and X-Linked Classification Criteria (2023). Collection method: clinical testing. Allele origin: unknown.
Comment: NM_004525.2(LRP2):c.7863T>G(Y2621*) is expected to be pathogenic in the context of Donnai-Barrow syndrome. This variant is predicted to lead to an abnormal or absent protein product due to the creation of a premature termination codon in LRP2, a gene where loss-of-function variants are known to be pathogenic. Please note: this variant was assessed in the context of healthy population screening.